The following is an entry in ClinVar:

NM_000138.5(FBN1):c.2735A>T (p.Asp912Val)

Gene: FBN1 (fibrillin 1; minus strand). Cytogenetic location: 15q21.1.
Variant type: single nucleotide variant.
Coding change: c.2735A>T on transcript NM_000138.5 (MANE Select); coding-DNA position 2735, A replaced by T.
Protein change: p.Asp912Val; replaces aspartic acid 912 with valine.
Molecular consequence: missense variant.
Genome position (GRCh38, 1-based): chr15:48,492,580, T>A on the plus strand (A>T on the coding strand, the complement: FBN1 is on the minus strand). VCF-style: chr15-48492580-T-A. GRCh37 (hg19) VCF-style: chr15-48784777-T-A.
Other names: short protein forms D912V.
Identifiers: ClinVar variation 1331752 (VCV001331752.2), dbSNP rs754919275, ClinGen allele CA048766.

ClinVar aggregate classification (germline): Uncertain significance (1 of 4 stars; one submission).

Conditions:
Familial thoracic aortic aneurysm and aortic dissection (TAAD). Also called: Thoracic aortic aneurysms and dissections. Identifiers: Orphanet 91387, MedGen C4707243, MONDO:0019625.

gnomAD v4.1: 11 of 1,601,838 alleles (0.00069%); highest among the groups gnomAD compares: South Asian, 0.011%; no homozygotes.

Submission:

Color Diagnostics, LLC DBA Color Health
Classification: Uncertain significance for Familial thoracic aortic aneurysm and aortic dissection. Last evaluated: 2021-07-09. Review status: criteria provided, single submitter. Criteria: ACMG Guidelines, 2015. Collection method: clinical testing. Allele origin: germline.
Comment: This missense variant replaces aspartic acid with valine at codon 912 of the FBN1 protein. Computational prediction suggests that this variant may have deleterious impact on protein structure and function (internally defined REVEL score threshold >= 0.7, PMID: 27666373). To our knowledge, functional studies have not been reported for this variant. This variant has not been reported in individuals affected with cardiovascular disorders in the literature. This variant has been identified in 2/250728 chromosomes in the general population by the Genome Aggregation Database (gnomAD). The available evidence is insufficient to determine the role of this variant in disease conclusively. Therefore, this variant is classified as a Variant of Uncertain Significance.